The following is an entry in ClinVar:

NM_020937.4(FANCM):c.5627A>C (p.Asn1876Thr)

Gene: FANCM (FA complementation group M; plus strand). Cytogenetic location: 14q21.2.
Variant type: single nucleotide variant.
Coding change: c.5627A>C on transcript NM_020937.4 (MANE Select); coding-DNA position 5627, A replaced by C.
Protein change: p.Asn1876Thr; replaces asparagine 1876 with threonine.
Molecular consequence: missense variant.
Genome position (GRCh38, 1-based): chr14:45,196,458, A>C. VCF-style: chr14-45196458-A-C. GRCh37 (hg19) VCF-style: chr14-45665661-A-C.
Other names: c.5549A>C, p.Asn1850Thr (NM_001308133.2); short protein forms N1850T, N1876T.
Identifiers: ClinVar variation 2501921 (VCV002501921.2), dbSNP rs45557033, ClinGen allele CA7170030.

ClinVar aggregate classification (germline): Uncertain significance. Review status: criteria provided, multiple submitters, no conflicts (2 of 4 stars). 2 submissions from 2 submitters: Uncertain significance (2). Last evaluated 2025-08-15.

Conditions:
Fanconi anemia (FA). Also called: Fanconi's anemia. Identifiers: Orphanet 84, MedGen C0015625, MeSH D005199, MONDO:0019391.

Allele frequency attached by ClinVar (database versions not stated): 1000 Genomes Project 30x 0.00016.
gnomAD v4.1: 4 of 1,614,158 alleles (0.00025%); highest among the groups gnomAD compares: South Asian, 0.0044%; no homozygotes.

Submissions (2):

Labcorp Genetics (formerly Invitae), Labcorp
Classification: Uncertain significance for Fanconi anemia. Last evaluated: 2025-08-15. Review status: criteria provided, single submitter. Criteria: Invitae Variant Classification Sherloc (09022015). Collection method: clinical testing. Allele origin: germline.
Comment: This sequence change replaces asparagine, which is neutral and polar, with threonine, which is neutral and polar, at codon 1876 of the FANCM protein (p.Asn1876Thr). This variant is present in population databases (rs45557033, gnomAD 0.003%). This variant has not been reported in the literature in individuals affected with FANCM-related conditions. ClinVar contains an entry for this variant (Variation ID: 2501921). An algorithm developed to predict the effect of missense changes on protein structure and function outputs the following: PolyPhen-2: "Benign". The threonine amino acid residue is found in multiple mammalian species, which suggests that this missense change does not adversely affect protein function. In summary, the available evidence is currently insufficient to determine the role of this variant in disease. Therefore, it has been classified as a Variant of Uncertain Significance.

GeneDx
Classification: Uncertain significance. Last evaluated: 2022-11-09. Review status: criteria provided, single submitter. Criteria: GeneDx Variant Classification Process June 2021. Collection method: clinical testing. Allele origin: germline. Affected: yes.
Comment: Not observed at significant frequency in large population cohorts (gnomAD); In silico analysis supports that this missense variant has a deleterious effect on protein structure/function; Has not been previously published as pathogenic or benign to our knowledge